The following is an entry in ClinVar:

NM_015512.5(DNAH1):c.953T>G (p.Leu318Arg)

Gene: DNAH1 (dynein axonemal heavy chain 1; plus strand). Cytogenetic location: 3p21.1.
Variant type: single nucleotide variant.
Coding change: c.953T>G on transcript NM_015512.5 (MANE Select); coding-DNA position 953, T replaced by G.
Protein change: p.Leu318Arg; replaces leucine 318 with arginine.
Molecular consequence: missense variant.
Genome position (GRCh38, 1-based): chr3:52,331,229, T>G. VCF-style: chr3-52331229-T-G. GRCh37 (hg19) VCF-style: chr3-52365245-T-G.
Other names: short protein forms L318R.
Identifiers: ClinVar variation 544617 (VCV000544617.4), dbSNP rs370393988, ClinGen allele CA2432827.
Genomic context (GRCh38, chr3:52,331,229, plus strand): 5'-TGAAGTACAAATGGTGCGAGGTCGGCGTCCTGGACTACGACGAGGAGAAGAAGCTATACC[T>G]GGTACACAAGACAGACGAGAAAGGCCTGGTGCGAGATGAGATGGGGAGGCCCATCCTGAA-3'
Protein context (NP_056327.4, residues 308-328): LDYDEEKKLY[Leu318Arg]VHKTDEKGLV

ClinVar aggregate classification (germline): Uncertain significance. Review status: criteria provided, multiple submitters, no conflicts (2 of 4 stars). 2 submissions from 2 submitters: Uncertain significance (2). Last evaluated 2021-09-30.

Conditions:
Spermatogenic failure 18. Identifiers: MedGen C4539783, MONDO:0054615, OMIM 617576.
Ciliary dyskinesia, primary, 37 (CILD37). Also called: CILIARY DYSKINESIA, PRIMARY, 37, WITH OR WITHOUT SITUS INVERSUS. Identifiers: MedGen C4539798, MONDO:0033204, OMIM 617577.

Allele frequency attached by ClinVar (database versions not stated): gnomAD exomes 0.00007 and 0.00029; TOPMed 0.00007; gnomAD 0.00008 and 0.00009; ExAC 0.00009; ESP Exome Variant Server 0.00024.
gnomAD v4.1: 427 of 1,611,014 alleles (0.027%); highest among the groups gnomAD compares: Non-Finnish European, 0.035%; no homozygotes.

Submissions (2):

Ambry Genetics
Classification: Uncertain significance. Last evaluated: 2021-09-30. Review status: criteria provided, single submitter. Criteria: Ambry Variant Classification Scheme 2023. Collection method: clinical testing. Allele origin: germline.

Labcorp Genetics (formerly Invitae), Labcorp
Classification: Uncertain significance for Ciliary dyskinesia, primary, 37; Spermatogenic failure 18. Last evaluated: 2021-09-01. Review status: criteria provided, single submitter. Criteria: Invitae Variant Classification Sherloc (09022015). Collection method: clinical testing. Allele origin: germline.
Comment: This sequence change replaces leucine with arginine at codon 318 of the DNAH1 protein (p.Leu318Arg). The leucine residue is highly conserved and there is a moderate physicochemical difference between leucine and arginine. This variant is present in population databases (rs370393988, ExAC 0.02%). This variant has not been reported in the literature in individuals affected with DNAH1-related conditions. ClinVar contains an entry for this variant (Variation ID: 544617). Algorithms developed to predict the effect of missense changes on protein structure and function are either unavailable or do not agree on the potential impact of this missense change (SIFT: "Deleterious"; PolyPhen-2: "Benign"; Align-GVGD: "Class C0"). In summary, the available evidence is currently insufficient to determine the role of this variant in disease. Therefore, it has been classified as a Variant of Uncertain Significance.